The following is an entry in ClinVar:

NM_004370.6(COL12A1):c.5543G>A (p.Arg1848Lys)

Gene: COL12A1 (collagen type XII alpha 1 chain; minus strand). Cytogenetic location: 6q13.
Variant type: single nucleotide variant.
Coding change: c.5543G>A on transcript NM_004370.6 (MANE Select); coding-DNA position 5543, G replaced by A.
Protein change: p.Arg1848Lys; replaces arginine 1848 with lysine.
Molecular consequence: missense variant.
Genome position (GRCh38, 1-based): chr6:75,133,979, C>T on the plus strand (G>A on the coding strand, the complement: COL12A1 is on the minus strand). VCF-style: chr6-75133979-C-T. GRCh37 (hg19) VCF-style: chr6-75843695-C-T.
Other names: c.5543G>A, p.Arg1848Lys (NM_001424113.1); c.5522G>A, p.Arg1841Lys (NM_001424114.1); c.5270G>A, p.Arg1757Lys (NM_001424115.1); c.2051G>A, p.Arg684Lys (NM_001424116.1, NM_080645.3); short protein forms R684K, R1848K, R1757K, R1841K.
Identifiers: ClinVar variation 3268522 (VCV003268522.3).

ClinVar aggregate classification (germline): Uncertain significance. Review status: criteria provided, multiple submitters, no conflicts (2 of 4 stars). 2 submissions from 2 submitters: Uncertain significance (2). Last evaluated 2025-03-09.

Conditions:
Inborn genetic diseases. Identifiers: MedGen C0950123, MeSH D030342.
Ullrich congenital muscular dystrophy 2 (UCMD2). Identifiers: Orphanet 75840, MedGen C4225314, MONDO:0014654, OMIM 616470.
Bethlem myopathy 2 (BTHLM2). Identifiers: Orphanet 536516, Orphanet 610, MedGen C4225313, MONDO:0034022, OMIM 616471.

gnomAD v4.1: 18 of 1,613,652 alleles (0.0011%); highest among the groups gnomAD compares: African/African-American, 0.0053%; no homozygotes.

Submissions (2):

Labcorp Genetics (formerly Invitae), Labcorp
Classification: Uncertain significance for Bethlem myopathy 2; Ullrich congenital muscular dystrophy 2. Last evaluated: 2025-03-09. Review status: criteria provided, single submitter. Criteria: Invitae Variant Classification Sherloc (09022015). Collection method: clinical testing. Allele origin: germline.
Comment: This sequence change replaces arginine, which is basic and polar, with lysine, which is basic and polar, at codon 1848 of the COL12A1 protein (p.Arg1848Lys). This variant is present in population databases (no rsID available, gnomAD 0.007%). This variant has not been reported in the literature in individuals affected with COL12A1-related conditions. ClinVar contains an entry for this variant (Variation ID: 3268522). Invitae Evidence Modeling of protein sequence and biophysical properties (such as structural, functional, and spatial information, amino acid conservation, physicochemical variation, residue mobility, and thermodynamic stability) indicates that this missense variant is not expected to disrupt COL12A1 protein function with a negative predictive value of 80%. In summary, the available evidence is currently insufficient to determine the role of this variant in disease. Therefore, it has been classified as a Variant of Uncertain Significance.

Ambry Genetics
Classification: Uncertain significance for Inborn genetic diseases. Last evaluated: 2024-06-04. Review status: criteria provided, single submitter. Criteria: Ambry Variant Classification Scheme 2023. Collection method: clinical testing. Allele origin: germline.